The following is an entry in ClinVar:

ClinVar aggregate classification (germline): Likely benign (0 of 4 stars; one submission).

Conditions:
H19-related disorder. Also called: H19-related condition.

Submission:

PreventionGenetics, part of Exact Sciences
Classification: Likely benign for H19-related condition. Last evaluated: 2024-09-04. Review status: no assertion criteria provided. Collection method: clinical testing. Allele origin: germline.
Comment: This variant is classified as likely benign based on ACMG/AMP sequence variant interpretation guidelines (Richards et al. 2015 PMID: 25741868, with internal and published modifications).

NC_000011.10:g.2001915C>T

Genes: MRPL23 (mitochondrial ribosomal protein L23; plus strand), H19 (H19 imprinted maternally expressed transcript; minus strand), H19-ICR (H19/IGF2 imprinting control region; plus strand). Cytogenetic location: 11p15.5.
Variant type: single nucleotide variant.
Molecular consequence: intron variant (on NM_001400176.1).
Genome position: GRCh38 VCF-style: chr11-2001915-C-T. GRCh37 (hg19) VCF-style: chr11-2023145-C-T.
Other names: c.498-9626C>T (NM_001400176.1).
Identifiers: ClinVar variation 3356460 (VCV003356460.1).
Genomic context (GRCh38, chr11:2,001,915, plus strand): 5'-TCACTGGGGAGGCAATTGTCAGTTCAGAAAAAGGCTCGGGATTTGGGGGCTGTCCTTAGT[C>T]GGATCTGTGCTCTGGGATGGATGTGGAAAGTATAAGCTTTTGGCGGAATTTGCTGTGCTC-3'